The following is an entry in ClinVar:

NM_002336.3(LRP6):c.2945T>C (p.Ile982Thr)

Gene: LRP6 (LDL receptor related protein 6; minus strand). Cytogenetic location: 12p13.2.
Variant type: single nucleotide variant.
Coding change: c.2945T>C on transcript NM_002336.3 (MANE Select); coding-DNA position 2945, T replaced by C.
Protein change: p.Ile982Thr; replaces isoleucine 982 with threonine.
Molecular consequence: missense variant. On other transcripts: non-coding transcript variant (1).
Genome position (GRCh38, 1-based): chr12:12,150,885, A>G on the plus strand (T>C on the coding strand, the complement: LRP6 is on the minus strand). VCF-style: chr12-12150885-A-G. GRCh37 (hg19) VCF-style: chr12-12303819-A-G.
Other names: c.2945T>C, p.Ile982Thr (NM_001414244.1, NM_001414245.1, NM_001414246.1 and 4 more transcripts); c.2747T>C, p.Ile916Thr (NM_001414247.1); c.2492T>C, p.Ile831Thr (NM_001414252.1, NM_001414253.1, NM_001414254.1); c.2438T>C, p.Ile813Thr (NM_001414255.1); short protein forms I916T, I813T, I831T, I982T.
Identifiers: ClinVar variation 4707049 (VCV004707049.1).
Genomic context (GRCh38, chr12:12,150,885, plus strand): 5'-CTCTCAATTACCTGGCTGCCATCTTCTTGTGCCTTTCGGATCATGTTTTGTCGTGAGTCA[A>G]TCCAATAGAGTTGCTTGTCCAGTGGGTCATAGTCAATGGCCCGGACATTCCGAAGGCTGT-3'
Protein context (NP_002327.2, residues 972-992): YDPLDKQLYW[Ile982Thr]DSRQNMIRKA

ClinVar aggregate classification (germline): Uncertain significance (1 of 4 stars; one submission).

gnomAD v4.1: 19 of 1,613,998 alleles (0.0012%); highest among the groups gnomAD compares: African/African-American, 0.004%; no homozygotes.

Submission:

Labcorp Genetics (formerly Invitae), Labcorp
Classification: Uncertain significance. Last evaluated: 2025-12-16. Review status: criteria provided, single submitter. Criteria: Invitae Variant Classification Sherloc (09022015). Collection method: clinical testing. Allele origin: germline.
Comment: This sequence change replaces isoleucine, which is neutral and non-polar, with threonine, which is neutral and polar, at codon 982 of the LRP6 protein (p.Ile982Thr). This variant is present in population databases (rs144397003, gnomAD 0.004%). This variant has not been reported in the literature in individuals affected with LRP6-related conditions. Invitae Evidence Modeling of protein sequence and biophysical properties (such as structural, functional, and spatial information, amino acid conservation, physicochemical variation, residue mobility, and thermodynamic stability) indicates that this missense variant is not expected to disrupt LRP6 protein function with a negative predictive value of 80%. In summary, the available evidence is currently insufficient to determine the role of this variant in disease. Therefore, it has been classified as a Variant of Uncertain Significance.